The following is an entry in ClinVar:

NM_001457.4(FLNB):c.-4C>G

Gene: FLNB (filamin B; plus strand). Cytogenetic location: 3p14.3.
Variant type: single nucleotide variant.
Coding change: c.-4C>G on transcript NM_001457.4 (MANE Select); 4 bases upstream of the start codon, C replaced by G.
Molecular consequence: 5 prime UTR variant.
Genome position (GRCh38, 1-based): chr3:58,008,561, C>G. VCF-style: chr3-58008561-C-G. GRCh37 (hg19) VCF-style: chr3-57994288-C-G.
Other names: c.-4C>G (NM_001164317.2, NM_001164318.2, NM_001164319.2).
Identifiers: ClinVar variation 3381584 (VCV003381584.1).

ClinVar aggregate classification (germline): Uncertain significance (1 of 4 stars; one submission).

Submission:

GeneDx
Classification: Uncertain significance. Last evaluated: 2024-05-20. Review status: criteria provided, single submitter. Criteria: GeneDx Variant Classification Process June 2021. Collection method: clinical testing. Allele origin: germline. Affected: yes.
Comment: Not observed at significant frequency in large population cohorts (gnomAD); Has not been previously published as pathogenic or benign to our knowledge; Alters the Kozak sequence, which plays a major role in the initiation of translation